The following is an entry in ClinVar:

NC_000007.14:g.(?_105532306)_(105547343_?)dup

Gene: RINT1 (RAD50 interactor 1; plus strand). Cytogenetic location: 7q22.3.
Variant type: Duplication.
Identifiers: ClinVar variation 830563 (VCV000830563.1).

ClinVar aggregate classification (germline): Uncertain significance (1 of 4 stars; one submission).

Submission:

Labcorp Genetics (formerly Invitae), Labcorp
Classification: Uncertain significance. Last evaluated: 2019-06-02. Review status: criteria provided, single submitter. Criteria: Invitae Variant Classification Sherloc (09022015). Collection method: clinical testing. Allele origin: germline.
Comment: This variant results in a copy number gain of the genomic region encompassing exons 1 to 6 of the RINT1 gene. The 5' end of this event is unknown as it extends beyond the assayed region for this gene and therefore may encompass additional genes. The 3' boundary is likely confined to intron 6 of the RINT1 gene. As the precise location of this event is unknown, it may be in tandem or it may be located elsewhere in the genome. This variant has not been reported in the literature in individuals with RINT1-related disease. In summary, the available evidence is currently insufficient to determine the role of this variant in disease. Therefore, it has been classified as a Variant of Uncertain Significance.